The following is an entry in ClinVar:

ClinVar aggregate classification (germline): Uncertain significance (1 of 4 stars; one submission).

Conditions:
Danon disease. Also called: Glycogen Storage Disease Type IIb; ANTOPOL DISEASE; PSEUDOGLYCOGENOSIS II; GSD IIb; LYSOSOMAL GLYCOGEN STORAGE DISEASE WITHOUT ACID MALTASE DEFICIENCY. Identifiers: Orphanet 34587, MedGen C0878677, MONDO:0010281, OMIM 300257.

Submission:

Labcorp Genetics (formerly Invitae), Labcorp
Classification: Uncertain significance for Danon disease. Last evaluated: 2025-04-20. Review status: criteria provided, single submitter. Criteria: Invitae Variant Classification Sherloc (09022015). Collection method: clinical testing. Allele origin: germline.
Comment: This sequence change replaces glutamine, which is neutral and polar, with leucine, which is neutral and non-polar, at codon 344 of the LAMP2 protein (p.Gln344Leu). This variant is not present in population databases (gnomAD no frequency). This variant has not been reported in the literature in individuals affected with LAMP2-related conditions. Invitae Evidence Modeling of protein sequence and biophysical properties (such as structural, functional, and spatial information, amino acid conservation, physicochemical variation, residue mobility, and thermodynamic stability) indicates that this missense variant is not expected to disrupt LAMP2 protein function with a negative predictive value of 80%. In summary, the available evidence is currently insufficient to determine the role of this variant in disease. Therefore, it has been classified as a Variant of Uncertain Significance.

NM_002294.3(LAMP2):c.1031A>T (p.Gln344Leu)

Gene: LAMP2 (lysosome associated membrane protein 2; minus strand). Cytogenetic location: Xq24.
Variant type: single nucleotide variant.
Coding change: c.1031A>T on transcript NM_002294.3 (MANE Select); coding-DNA position 1031, A replaced by T.
Protein change: p.Gln344Leu; replaces glutamine 344 with leucine.
Molecular consequence: missense variant.
Genome position (GRCh38, 1-based): chrX:120,441,792, T>A on the plus strand (A>T on the coding strand, the complement: LAMP2 is on the minus strand). VCF-style: chrX-120441792-T-A. GRCh37 (hg19) VCF-style: chrX-119575647-T-A.
Other names: c.1031A>T, p.Gln344Leu (NM_001122606.1, NM_013995.2); short protein forms Q344L.
Identifiers: ClinVar variation 4742459 (VCV004742459.1).